The following is an entry in ClinVar:

ClinVar aggregate classification (germline): Uncertain significance (1 of 4 stars; one submission).

Conditions:
Charcot-Marie-Tooth disease axonal type 2O. Also called: CHARCOT-MARIE-TOOTH NEUROPATHY, AXONAL, TYPE 2O; CHARCOT-MARIE-TOOTH DISEASE, AXONAL, AUTOSOMAL DOMINANT, TYPE 2O; Charcot-Marie-Tooth Neuropathy Type 2O; Charcot-Marie-Tooth disease, axonal, type 20. Identifiers: Orphanet 284232, MedGen C3280220, MONDO:0013644, OMIM 614228.

Submission:

Labcorp Genetics (formerly Invitae), Labcorp
Classification: Uncertain significance for Charcot-Marie-Tooth disease axonal type 2O. Last evaluated: 2024-02-24. Review status: criteria provided, single submitter. Criteria: Invitae Variant Classification Sherloc (09022015). Collection method: clinical testing. Allele origin: germline.
Comment: This sequence change replaces valine, which is neutral and non-polar, with alanine, which is neutral and non-polar, at codon 3935 of the DYNC1H1 protein (p.Val3935Ala). This variant is not present in population databases (gnomAD no frequency). This variant has not been reported in the literature in individuals affected with DYNC1H1-related conditions. ClinVar contains an entry for this variant (Variation ID: 2102426). Advanced modeling of protein sequence and biophysical properties (such as structural, functional, and spatial information, amino acid conservation, physicochemical variation, residue mobility, and thermodynamic stability) performed at Invitae indicates that this missense variant is not expected to disrupt DYNC1H1 protein function with a negative predictive value of 95%. In summary, the available evidence is currently insufficient to determine the role of this variant in disease. Therefore, it has been classified as a Variant of Uncertain Significance.

NM_001376.5(DYNC1H1):c.11804T>C (p.Val3935Ala)

Gene: DYNC1H1 (dynein cytoplasmic 1 heavy chain 1; plus strand). Cytogenetic location: 14q32.31.
Variant type: single nucleotide variant.
Coding change: c.11804T>C on transcript NM_001376.5 (MANE Select); coding-DNA position 11804, T replaced by C.
Protein change: p.Val3935Ala; replaces valine 3935 with alanine.
Molecular consequence: missense variant.
Genome position (GRCh38, 1-based): chr14:102,040,349, T>C. VCF-style: chr14-102040349-T-C. GRCh37 (hg19) VCF-style: chr14-102506686-T-C.
Other names: short protein forms V3935A.
Identifiers: ClinVar variation 2102426 (VCV002102426.4), dbSNP rs1595630552, ClinGen allele CA391036876.